The following is an entry in ClinVar:

NM_058179.4(PSAT1):c.793G>A (p.Ala265Thr)

Gene: PSAT1 (phosphoserine aminotransferase 1; plus strand). Cytogenetic location: 9q21.2.
Variant type: single nucleotide variant.
Coding change: c.793G>A on transcript NM_058179.4 (MANE Select); coding-DNA position 793, G replaced by A.
Protein change: p.Ala265Thr; replaces alanine 265 with threonine.
Molecular consequence: missense variant.
Genome position (GRCh38, 1-based): chr9:78,317,728, G>A. VCF-style: chr9-78317728-G-A. GRCh37 (hg19) VCF-style: chr9-80932644-G-A.
Other names: c.793G>A, p.Ala265Thr (NM_021154.5); short protein forms A265T.
Identifiers: ClinVar variation 976898 (VCV000976898.6), dbSNP rs764335664, ClinGen allele CA5095727.

ClinVar aggregate classification (germline): Uncertain significance. Review status: criteria provided, multiple submitters, no conflicts (2 of 4 stars). 3 submissions from 3 submitters: Uncertain significance (2). 1 of the submissions does not count toward it. Last evaluated 2022-03-09.

Conditions:
PSAT deficiency. Identifiers: Orphanet 284417, MedGen C1970253, MONDO:0012596, OMIM 610992.
Neu-Laxova syndrome 2. Identifiers: Orphanet 2671, Orphanet 583602, MedGen C4015019, MONDO:0014466, OMIM 616038.

Allele frequency attached by ClinVar (database versions not stated): TOPMed 0.00002; ExAC 0.00007; gnomAD exomes 0.00006.
gnomAD v4.1: 38 of 1,613,608 alleles (0.0024%); highest among the groups gnomAD compares: Admixed American, 0.017%; no homozygotes.

Submissions (3):

Labcorp Genetics (formerly Invitae), Labcorp
Classification: Uncertain significance for Neu-Laxova syndrome 2. Last evaluated: 2022-03-09. Review status: criteria provided, single submitter. Criteria: Invitae Variant Classification Sherloc (09022015). Collection method: clinical testing. Allele origin: germline.
Comment: This sequence change replaces alanine, which is neutral and non-polar, with threonine, which is neutral and polar, at codon 265 of the PSAT1 protein (p.Ala265Thr). This variant is present in population databases (rs764335664, gnomAD 0.03%). This variant has not been reported in the literature in individuals affected with PSAT1-related conditions. ClinVar contains an entry for this variant (Variation ID: 976898). Algorithms developed to predict the effect of missense changes on protein structure and function output the following: SIFT: "Tolerated"; PolyPhen-2: "Benign"; Align-GVGD: "Class C0". The threonine amino acid residue is found in multiple mammalian species, which suggests that this missense change does not adversely affect protein function. Experimental studies have shown that this missense change does not substantially affect PSAT1 function (PMID: 32077105). In summary, the available evidence is currently insufficient to determine the role of this variant in disease. Therefore, it has been classified as a Variant of Uncertain Significance.

Baylor Genetics
Classification: Uncertain significance for PSAT deficiency. Last evaluated: 2018-04-03. Review status: criteria provided, single submitter. Criteria: ACMG Guidelines, 2015. Collection method: clinical testing. Allele origin: paternal. Affected: yes.
Comment: This variant was determined to be of uncertain significance according to ACMG Guidelines, 2015 [PMID:25741868].

Dudley Research Group, Pacific Northwest Research Institute
No classification provided. Review status: no classification provided. Collection method: research, in vivo. Allele origin: unknown, not applicable. Functional consequence: functionally_normal. Not counted in ClinVar's aggregate classification.

Literature cited by the submitters: PubMed 32077105 (cited by Labcorp Genetics (formerly Invitae), Labcorp).